The following is an entry in ClinVar:

ClinVar aggregate classification (germline): Uncertain significance. Review status: criteria provided, multiple submitters, no conflicts (2 of 4 stars). 2 submissions from 2 submitters: Uncertain significance (2). Last evaluated 2025-03-02.

Conditions:
Inborn genetic diseases. Identifiers: MedGen C0950123, MeSH D030342.
Baller-Gerold syndrome (BGS). Also called: CRANIOSYNOSTOSIS WITH RADIAL DEFECTS. Identifiers: Orphanet 1225, MedGen C0265308, MONDO:0009039, OMIM 218600.

Allele frequency attached by ClinVar (database versions not stated): gnomAD exomes below 0.00001; gnomAD 0.00001.
gnomAD v4.1: 3 of 1,609,968 alleles (0.00019%); highest among the groups gnomAD compares: Admixed American, 0.0033%; no homozygotes.

Submissions (2):

Ambry Genetics
Classification: Uncertain significance for Inborn genetic diseases. Last evaluated: 2025-03-02. Review status: criteria provided, single submitter. Criteria: Ambry Variant Classification Scheme 2023. Collection method: clinical testing. Allele origin: germline.
Comment: The p.G588R variant (also known as c.1762G>A), located in coding exon 11 of the RECQL4 gene, results from a G to A substitution at nucleotide position 1762. The glycine at codon 588 is replaced by arginine, an amino acid with dissimilar properties. This amino acid position is conserved. In addition, the in silico prediction for this alteration is inconclusive. Based on the available evidence, the clinical significance of this variant remains unclear.

Labcorp Genetics (formerly Invitae), Labcorp
Classification: Uncertain significance for Baller-Gerold syndrome. Last evaluated: 2022-11-15. Review status: criteria provided, single submitter. Criteria: Invitae Variant Classification Sherloc (09022015). Collection method: clinical testing. Allele origin: germline.
Comment: Advanced modeling of protein sequence and biophysical properties (such as structural, functional, and spatial information, amino acid conservation, physicochemical variation, residue mobility, and thermodynamic stability) performed at Invitae indicates that this missense variant is not expected to disrupt RECQL4 protein function. ClinVar contains an entry for this variant (Variation ID: 863987). This variant has not been reported in the literature in individuals affected with RECQL4-related conditions. This variant is present in population databases (no rsID available, gnomAD 0.005%). This sequence change replaces glycine, which is neutral and non-polar, with arginine, which is basic and polar, at codon 588 of the RECQL4 protein (p.Gly588Arg). In summary, the available evidence is currently insufficient to determine the role of this variant in disease. Therefore, it has been classified as a Variant of Uncertain Significance.

NM_004260.4(RECQL4):c.1762G>A (p.Gly588Arg)

Gene: RECQL4 (RecQ like helicase 4; minus strand). Cytogenetic location: 8q24.3.
Variant type: single nucleotide variant.
Coding change: c.1762G>A on transcript NM_004260.4 (MANE Select); coding-DNA position 1762, G replaced by A.
Protein change: p.Gly588Arg; replaces glycine 588 with arginine.
Molecular consequence: missense variant.
Genome position (GRCh38, 1-based): chr8:144,514,305, C>T on the plus strand (G>A on the coding strand, the complement: RECQL4 is on the minus strand). VCF-style: chr8-144514305-C-T. GRCh37 (hg19) VCF-style: chr8-145739689-C-T.
Other names: short protein forms G588R.
Identifiers: ClinVar variation 863987 (VCV000863987.7), dbSNP rs1476505217, ClinGen allele CA372681041.